The following is an entry in ClinVar:

ClinVar aggregate classification (germline): Uncertain significance (1 of 4 stars; one submission).

Allele frequency attached by ClinVar (database versions not stated): gnomAD exomes below 0.00001; TOPMed below 0.00001.
gnomAD v4.1: 3 of 1,609,262 alleles (0.00019%); highest among the groups gnomAD compares: Non-Finnish European, 0.00025%; no homozygotes.

Submission:

Labcorp Genetics (formerly Invitae), Labcorp
Classification: Uncertain significance. Last evaluated: 2024-03-14. Review status: criteria provided, single submitter. Criteria: Invitae Variant Classification Sherloc (09022015). Collection method: clinical testing. Allele origin: germline.
Comment: This sequence change replaces serine, which is neutral and polar, with phenylalanine, which is neutral and non-polar, at codon 622 of the HTT protein (p.Ser622Phe). This variant is present in population databases (no rsID available, gnomAD 0.0009%). This variant has not been reported in the literature in individuals affected with HTT-related conditions. ClinVar contains an entry for this variant (Variation ID: 1508462). Experimental studies and prediction algorithms are not available or were not evaluated, and the functional significance of this variant is currently unknown. In summary, the available evidence is currently insufficient to determine the role of this variant in disease. Therefore, it has been classified as a Variant of Uncertain Significance.

NM_001388492.1(HTT):c.1859C>T (p.Ser620Phe)

Gene: HTT (huntingtin; plus strand). Cytogenetic location: 4p16.3.
Variant type: single nucleotide variant.
Coding change: c.1859C>T on transcript NM_001388492.1 (MANE Select); coding-DNA position 1859, C replaced by T.
Protein change: p.Ser620Phe; replaces serine 620 with phenylalanine.
Molecular consequence: missense variant.
Genome position (GRCh38, 1-based): chr4:3,130,039, C>T. VCF-style: chr4-3130039-C-T. GRCh37 (hg19) VCF-style: chr4-3131766-C-T.
Other names: c.1865C>T, p.Ser622Phe (NM_002111.8); short protein forms S620F, S622F.
Identifiers: ClinVar variation 1508462 (VCV001508462.6), dbSNP rs1216301728, ClinGen allele CA356079518.